The following is an entry in ClinVar:

NM_000170.3(GLDC):c.2053G>T (p.Val685Leu)

Gene: GLDC (glycine decarboxylase; minus strand). Cytogenetic location: 9p24.1.
Variant type: single nucleotide variant.
Coding change: c.2053G>T on transcript NM_000170.3 (MANE Select); coding-DNA position 2053, G replaced by T.
Protein change: p.Val685Leu; replaces valine 685 with leucine.
Molecular consequence: missense variant.
Genome position (GRCh38, 1-based): chr9:6,556,302, C>A on the plus strand (G>T on the coding strand, the complement: GLDC is on the minus strand). VCF-style: chr9-6556302-C-A. GRCh37 (hg19) VCF-style: chr9-6556302-C-A.
Other names: short protein forms V685L.
Identifiers: ClinVar variation 1310395 (VCV001310395.4), dbSNP rs367988640, ClinGen allele CA4980401.
Genomic context (GRCh38, chr9:6,556,302, plus strand): 5'-CCCCATTGGTGGATGGGTATGTAATCATGATAGCTGCTAGGTTCTCCTTGTGCTTATCCA[C>A]CTGTGAAAGAAAAGGGGTAGAGAAGGACATGGAGGGAGGATATGTTTCTTTCTTGGCCAA-3'
Protein context (NP_000161.2, residues 675-695): NIDAVHLKAM[Val685Leu]DKHKENLAAI

ClinVar aggregate classification (germline): Uncertain significance. Review status: criteria provided, multiple submitters, no conflicts (2 of 4 stars). 3 submissions from 3 submitters: Uncertain significance (3). Last evaluated 2025-08-26.

Conditions:
Inborn genetic diseases. Identifiers: MedGen C0950123, MeSH D030342.
Glycine encephalopathy. Also called: Non-ketotic hyperglycinemia; Nonketotic hyperglycinemia. Identifiers: Orphanet 407, MedGen C0751748, MONDO:0011612, HP:0008288.

Allele frequency attached by ClinVar (database versions not stated): gnomAD 0.00001; gnomAD exomes 0.00001; TOPMed 0.00001; ESP Exome Variant Server 0.00008.
gnomAD v4.1: 17 of 1,612,958 alleles (0.0011%); highest among the groups gnomAD compares: South Asian, 0.016%; no homozygotes.

Submissions (3):

Ambry Genetics
Classification: Uncertain significance for Inborn genetic diseases. Last evaluated: 2025-08-26. Review status: criteria provided, single submitter. Criteria: Ambry Variant Classification Scheme 2023. Collection method: clinical testing. Allele origin: germline.

Labcorp Genetics (formerly Invitae), Labcorp
Classification: Uncertain significance for Glycine encephalopathy. Last evaluated: 2022-09-19. Review status: criteria provided, single submitter. Criteria: Invitae Variant Classification Sherloc (09022015). Collection method: clinical testing. Allele origin: germline.
Comment: This sequence change replaces valine, which is neutral and non-polar, with leucine, which is neutral and non-polar, at codon 685 of the GLDC protein (p.Val685Leu). This variant is present in population databases (rs367988640, gnomAD 0.03%). This variant has not been reported in the literature in individuals affected with GLDC-related conditions. ClinVar contains an entry for this variant (Variation ID: 1310395). Algorithms developed to predict the effect of missense changes on protein structure and function are either unavailable or do not agree on the potential impact of this missense change (SIFT: "Tolerated"; PolyPhen-2: "Possibly Damaging"; Align-GVGD: "Class C0"). Algorithms developed to predict the effect of sequence changes on RNA splicing suggest that this variant may disrupt the consensus splice site. In summary, the available evidence is currently insufficient to determine the role of this variant in disease. Therefore, it has been classified as a Variant of Uncertain Significance.

GeneDx
Classification: Uncertain significance. Last evaluated: 2019-11-14. Review status: criteria provided, single submitter. Criteria: GeneDx Variant Classification Process June 2021. Collection method: clinical testing. Allele origin: germline. Affected: yes.
Comment: In silico analysis, which includes protein predictors and evolutionary conservation, supports that this variant does not alter protein structure/function; Has not been previously published as pathogenic or benign to our knowledge